The following is an entry in ClinVar:

NM_001114753.3(ENG):c.-213C>T

Gene: ENG (endoglin; minus strand). Cytogenetic location: 9q34.11.
Variant type: single nucleotide variant.
Coding change: c.-213C>T on transcript NM_001114753.3 (MANE Select); 213 bases upstream of the start codon, C replaced by T.
Molecular consequence: 5 prime UTR variant.
Genome position (GRCh38, 1-based): chr9:127,854,568, G>A on the plus strand (C>T on the coding strand, the complement: ENG is on the minus strand). VCF-style: chr9-127854568-G-A. GRCh37 (hg19) VCF-style: chr9-130616847-G-A.
Other names: c.-213C>T (NM_000118.4, NM_001406715.1).
Identifiers: ClinVar variation 4279910 (VCV004279910.1).

ClinVar aggregate classification (germline): Uncertain significance (1 of 4 stars; one submission).

Conditions:
Telangiectasia, hereditary hemorrhagic, type 1 (HHT1). Also called: Osler Weber Rendu syndrome type 1; ENG-Related Hereditary Hemorrhagic Telangiectasia. Identifiers: Orphanet 774, MedGen C4551861, MONDO:0008535, OMIM 187300. Disease mechanism: loss of function.

gnomAD v4.1: 8 of 575,144 alleles (0.0014%); highest among the groups gnomAD compares: African/African-American, 0.0039%; no homozygotes.

Submission:

Clinical Genomics Laboratory, Washington University in St. Louis
Classification: Uncertain significance for Telangiectasia, hereditary hemorrhagic, type 1. Last evaluated: 2025-08-19. Review status: criteria provided, single submitter. Criteria: ACMG Guidelines, 2015. Collection method: clinical testing. Allele origin: germline.
Comment: An ENG c.-213C>T variant was identified at a near heterozygous allelic fraction of 48.1%, a frequency which may be consistent with germline origin. This variant, to our knowledge, has not been reported in the medical literature. It is only observed on 8/575,144 alleles in the general population (gnomAD v4.1.0), indicating it is not a common variant. Due to limited information, and based on ACMG/AMP guidelines for variant interpretation (Richards S et al., PMID: 25741868), the clinical significance of this variant is uncertain at this time.